The following is an entry in ClinVar:

NM_005475.3(SH2B3):c.1561C>G (p.Pro521Ala)

Gene: SH2B3 (SH2B adaptor protein 3; plus strand). Cytogenetic location: 12q24.12.
Variant type: single nucleotide variant.
Coding change: c.1561C>G on transcript NM_005475.3 (MANE Select); coding-DNA position 1561, C replaced by G.
Protein change: p.Pro521Ala; replaces proline 521 with alanine.
Molecular consequence: missense variant.
Genome position (GRCh38, 1-based): chr12:111,448,135, C>G. VCF-style: chr12-111448135-C-G. GRCh37 (hg19) VCF-style: chr12-111885939-C-G.
Other names: c.955C>G, p.Pro319Ala (NM_001291424.1); short protein forms P319A, P521A.
Identifiers: ClinVar variation 4864406 (VCV004864406.1).
Genomic context (GRCh38, chr12:111,448,135, plus strand): 5'-CTTAGTTCTTCTGGCTGTCCCCGGGGGCTCAGCCCAGAGGGTCTCCCAGGGCGATCCTCA[C>G]CCCCCGAGCAGATCTTCCACCTGGTGCCTTCGCCCGAAGAACTGGCCAACAGCCTGCAGC-3'
Protein context (NP_005466.1, residues 511-531): SPEGLPGRSS[Pro521Ala]PEQIFHLVPS

ClinVar aggregate classification (germline): Uncertain significance (1 of 4 stars; one submission).

Conditions:
Inborn genetic diseases. Identifiers: MedGen C0950123, MeSH D030342.

gnomAD v4.1: 1 of 1,613,998 alleles (0.000062%); highest among the groups gnomAD compares: Non-Finnish European, 0.000085%; no homozygotes.

Submission:

Ambry Genetics
Classification: Uncertain significance for Inborn genetic diseases. Last evaluated: 2026-04-04. Review status: criteria provided, single submitter. Criteria: Ambry Variant Classification Scheme 2023. Collection method: clinical testing. Allele origin: germline.
Comment: The p.P521A variant (also known as c.1561C>G), located in coding exon 7 of the SH2B3 gene, results from a C to G substitution at nucleotide position 1561. The proline at codon 521 is replaced by alanine, an amino acid with highly similar properties. This amino acid position is conserved. In addition, this alteration is predicted to be tolerated by in silico analysis. Based on the available evidence, the clinical significance of this variant remains unclear.